The following is an entry in ClinVar:

ClinVar aggregate classification (germline): Likely benign. Review status: criteria provided, single submitter (1 of 4 stars). 2 submissions from 1 submitter: Likely benign (2). Last evaluated 2018-01-13.

Conditions:
Histiocytic medullary reticulosis. Also called: SEVERE COMBINED IMMUNODEFICIENCY WITH HYPEREOSINOPHILIA; Omenn syndrome. Identifiers: Orphanet 39041, MedGen C2700553, MONDO:0011338, OMIM 603554.
Severe combined immunodeficiency, autosomal recessive, T cell-negative, B cell-negative, NK cell-positive. Also called: SCID, T CELL-NEGATIVE, B CELL-NEGATIVE, NK CELL-POSITIVE; SCID, AR, T-cell negative, B-cell negative, NK cell-positive; Severe combined immunodeficiency due to complete RAG1/2 deficiency. Identifiers: Orphanet 331206, MedGen C1832322, MONDO:0011086, OMIM 601457.

Allele frequency attached by ClinVar (database versions not stated): 1000 Genomes Project 0.00260; 1000 Genomes Project 30x 0.00265; gnomAD 0.00061 and 0.00123; TOPMed 0.00076.

Submissions (2):

Illumina Laboratory Services, Illumina
Classification: Likely benign for Histiocytic medullary reticulosis. Last evaluated: 2018-01-13. Review status: criteria provided, single submitter. Criteria: ICSL Variant Classification Criteria 13 December 2019. Collection method: clinical testing. Allele origin: germline.
Comment: This variant was observed in the ICSL laboratory as part of a predisposition screen in an ostensibly healthy population. It had not been previously curated by ICSL or reported in the Human Gene Mutation Database (HGMD: prior to June 1st, 2018), and was therefore a candidate for classification through an automated scoring system. Utilizing variant allele frequency, disease prevalence and penetrance estimates, and inheritance mode, an automated score was calculated to assess if this variant is too frequent to cause the disease. Based on the score and internal cut-off values, a variant classified as likely benign is not then subjected to further curation. The score for this variant resulted in a classification of likely benign for this disease.

Illumina Laboratory Services, Illumina
Classification: Likely benign for Severe combined immunodeficiency, autosomal recessive, T cell-negative, B cell-negative, NK cell-positive. Last evaluated: 2018-01-13. Review status: criteria provided, single submitter. Criteria: ICSL Variant Classification Criteria 13 December 2019. Collection method: clinical testing. Allele origin: germline.
Comment: the same text as in the submission from Illumina Laboratory Services, Illumina above.

NM_000448.3(RAG1):c.-15+12A>G

Gene: RAG1 (recombination activating 1; plus strand). Cytogenetic location: 11p12.
Variant type: single nucleotide variant.
Coding change: c.-15+12A>G on transcript NM_000448.3 (MANE Select); 12 bases into the intron after 15 bases upstream of the start codon, A replaced by G.
Molecular consequence: intron variant.
Genome position (GRCh38, 1-based): chr11:36,568,134, A>G. VCF-style: chr11-36568134-A-G. GRCh37 (hg19) VCF-style: chr11-36589684-A-G.
Other names: c.-15+4636A>G (NM_001377277.1, NM_001377278.1, NM_001377279.1); c.-14-5157A>G (NM_001377280.1).
Identifiers: ClinVar variation 304489 (VCV000304489.5), dbSNP rs190968516, ClinGen allele CA10638391.